The following is an entry in ClinVar:

ClinVar aggregate classification (germline): Uncertain significance (1 of 4 stars; one submission).

Conditions:
Dextro-looped transposition of the great arteries. Also called: Dextrotransposition of the great arteries. Identifiers: Orphanet 860, MedGen C3531771, MONDO:0019443, OMIM 608808, HP:0031348.

Submission:

Labcorp Genetics (formerly Invitae), Labcorp
Classification: Uncertain significance for Dextro-looped transposition of the great arteries. Last evaluated: 2025-09-29. Review status: criteria provided, single submitter. Criteria: Invitae Variant Classification Sherloc (09022015). Collection method: clinical testing. Allele origin: germline.
Comment: This sequence change replaces isoleucine, which is neutral and non-polar, with valine, which is neutral and non-polar, at codon 192 of the MED13L protein (p.Ile192Val). This variant is not present in population databases (gnomAD no frequency). This variant has not been reported in the literature in individuals affected with MED13L-related conditions. Invitae Evidence Modeling of protein sequence and biophysical properties (such as structural, functional, and spatial information, amino acid conservation, physicochemical variation, residue mobility, and thermodynamic stability) indicates that this missense variant is not expected to disrupt MED13L protein function with a negative predictive value of 80%. In summary, the available evidence is currently insufficient to determine the role of this variant in disease. Therefore, it has been classified as a Variant of Uncertain Significance.

NM_015335.5(MED13L):c.574A>G (p.Ile192Val)

Gene: MED13L (mediator complex subunit 13L; minus strand). Cytogenetic location: 12q24.21.
Variant type: single nucleotide variant.
Coding change: c.574A>G on transcript NM_015335.5 (MANE Select); coding-DNA position 574, A replaced by G.
Protein change: p.Ile192Val; replaces isoleucine 192 with valine.
Molecular consequence: missense variant.
Genome position (GRCh38, 1-based): chr12:116,022,507, T>C on the plus strand (A>G on the coding strand, the complement: MED13L is on the minus strand). VCF-style: chr12-116022507-T-C. GRCh37 (hg19) VCF-style: chr12-116460312-T-C.
Other names: short protein forms I192V.
Identifiers: ClinVar variation 4731635 (VCV004731635.1).